The following is an entry in ClinVar:

NM_022051.3(EGLN1):c.32C>A (p.Pro11Gln)

Gene: EGLN1 (egl-9 family hypoxia inducible factor 1; minus strand). Cytogenetic location: 1q42.2.
Variant type: single nucleotide variant.
Coding change: c.32C>A on transcript NM_022051.3 (MANE Select); coding-DNA position 32, C replaced by A.
Protein change: p.Pro11Gln; replaces proline 11 with glutamine.
Molecular consequence: missense variant.
Genome position (GRCh38, 1-based): chr1:231,421,857, G>T on the plus strand (C>A on the coding strand, the complement: EGLN1 is on the minus strand). VCF-style: chr1-231421857-G-T. GRCh37 (hg19) VCF-style: chr1-231557603-G-T.
Other names: c.32C>A, p.Pro11Gln (NM_001377260.1, NM_001377261.1); short protein forms P11Q.
Identifiers: ClinVar variation 3227708 (VCV003227708.1), dbSNP rs1198122970, ClinGen allele CA345239425.
Genomic context (GRCh38, chr1:231,421,857, plus strand): 5'-AGCAGGTTCTCCATCTTCCCGCACAGCTCGCAGTACTGCCGGTCTCGCTCGCTCGGGCTC[G>T]GCCCGCCGGGCCCGCCGCTGTCATTGGCCATGGCGGCGGCGGCGGCGGCGACGGCGACTG-3'
Protein context (NP_071334.1, residues 1-21): MANDSGGPGG[Pro11Gln]SPSERDRQYC

ClinVar aggregate classification (germline): Uncertain significance (1 of 4 stars; one submission).

gnomAD v4.1: 1 of 1,474,890 alleles (0.000068%); highest among the groups gnomAD compares: Non-Finnish European, 0.000089%; no homozygotes.

Submission:

Ambry Genetics
Classification: Uncertain significance. Last evaluated: 2024-02-29. Review status: criteria provided, single submitter. Criteria: Ambry Variant Classification Scheme 2023. Collection method: clinical testing. Allele origin: germline.
Comment: The p.P11Q variant (also known as c.32C>A), located in coding exon 1 of the EGLN1 gene, results from a C to A substitution at nucleotide position 32. The proline at codon 11 is replaced by glutamine, an amino acid with similar properties. This amino acid position is conserved. In addition, this alteration is predicted to be tolerated by in silico analysis. Based on the available evidence, the clinical significance of this alteration remains unclear.